The following is an entry in ClinVar:

NM_002303.6(LEPR):c.3347T>C (p.Leu1116Pro)

Gene: LEPR (leptin receptor; plus strand). Cytogenetic location: 1p31.3.
Variant type: single nucleotide variant.
Coding change: c.3347T>C on transcript NM_002303.6 (MANE Select); coding-DNA position 3347, T replaced by C.
Protein change: p.Leu1116Pro; replaces leucine 1116 with proline.
Molecular consequence: missense variant.
Genome position (GRCh38, 1-based): chr1:65,636,864, T>C. VCF-style: chr1-65636864-T-C. GRCh37 (hg19) VCF-style: chr1-66102547-T-C.
Other names: short protein forms L1116P.
Identifiers: ClinVar variation 4992384 (VCV004992384.1).

ClinVar aggregate classification (germline): Uncertain significance (1 of 4 stars; one submission).

Conditions:
LEPR-related disorder. Also called: LEPR-related disorders; LEPR-related condition.

Submission:

PreventionGenetics, part of Exact Sciences
Classification: Uncertain significance for LEPR-related condition. Last evaluated: 2025-12-16. Review status: criteria provided, single submitter. Criteria: ACMG Guidelines, 2015. Collection method: clinical testing. Allele origin: germline.
Comment: The LEPR c.3347T>C variant is predicted to result in the amino acid substitution p.Leu1116Pro. This variant was observed in a cohort of individuals with obesity, and in vitro functional studies showed function similar to wild-type levels (Supplemental Data Set, Shah et al. 2023. PubMed ID: 36864747). To our knowledge, this variant has not been reported in a large population database (gnomAD), indicating this variant is rare. At this time, the clinical significance of this variant is uncertain due to the absence of conclusive functional and genetic evidence.